The following is an entry in ClinVar:

NM_021100.5(NFS1):c.-43A>C

Gene: NFS1 (NFS1 cysteine desulfurase; minus strand). Cytogenetic location: 20q11.22.
Variant type: single nucleotide variant.
Coding change: c.-43A>C on transcript NM_021100.5 (MANE Select); 43 bases upstream of the start codon, A replaced by C.
Molecular consequence: 5 prime UTR variant. On other transcripts: non-coding transcript variant (1).
Genome position (GRCh38, 1-based): chr20:35,699,331, T>G on the plus strand (A>C on the coding strand, the complement: NFS1 is on the minus strand). VCF-style: chr20-35699331-T-G. GRCh37 (hg19) VCF-style: chr20-34287253-T-G.
Other names: c.-43A>C (NM_001198989.2).
Identifiers: ClinVar variation 515743 (VCV000515743.1), dbSNP rs1555885330, ClinGen allele CA658799358.

ClinVar aggregate classification (germline): Likely benign (1 of 4 stars; one submission).

gnomAD v4.1: 10 of 1,397,004 alleles (0.00072%); highest among the groups gnomAD compares: Non-Finnish European, 0.00093%; no homozygotes.

Submission:

GeneDx
Classification: Likely benign. Last evaluated: 2018-03-06. Review status: criteria provided, single submitter. Criteria: GeneDx Variant Classification (06012015). Collection method: clinical testing. Allele origin: germline. Affected: yes.
Comment: This variant is considered likely benign or benign based on one or more of the following criteria: it is a conservative change, it occurs at a poorly conserved position in the protein, it is predicted to be benign by multiple in silico algorithms, and/or has population frequency not consistent with disease.